The following is an entry in ClinVar:

ClinVar aggregate classification (germline): Pathogenic (1 of 4 stars; one submission).

Conditions:
Cardiovascular phenotype. Identifiers: MedGen CN230736.

Submission:

Ambry Genetics
Classification: Pathogenic for Cardiovascular phenotype. Last evaluated: 2025-07-01. Review status: criteria provided, single submitter. Criteria: Ambry Variant Classification Scheme 2023. Collection method: clinical testing. Allele origin: germline.
Comment: The p.W194* pathogenic mutation (also known as c.581G>A), located in coding exon 4 of the DSP gene, results from a G to A substitution at nucleotide position 581. This changes the amino acid from a tryptophan to a stop codon within coding exon 4. This variant was reported in a cardiomyopathy cohort (Akinrinade O et al. J Cardiovasc Transl Res, 2023 Dec;16:1287-1302). This variant is considered to be rare based on population cohorts in the Genome Aggregation Database (gnomAD). Alterations in DSP that result in haploinsufficiency or protein truncation have been reported in patients with arrhythmogenic right ventricular cardiomyopathy (ARVC) and dilated cardiomyopathy (DCM) (Fressart V et al. Europace. 2010;12(6):861-8; Elliott P et al. Circ Cardiovasc Genet. 2010;3(4):314-22; Quarta G et al. Circulation. 2011;123(23):2701-9; Garcia-Pavia P et al. Heart. 2011;97(21):1744-52; Rasmussen TB et al. Clin Genet. 2013;84(1):20-30; Pugh TJ et al. Genet Med. 2014;16(8):601-8). This alteration is expected to result in loss of function by premature protein truncation or nonsense-mediated mRNA decay. Based on the supporting evidence, this variant is interpreted as a disease-causing mutation.

Literature cited by the submitters: PubMed 37477868.

NM_004415.4(DSP):c.581G>A (p.Trp194Ter)

Gene: DSP (desmoplakin; plus strand). Cytogenetic location: 6p24.3.
Variant type: single nucleotide variant.
Coding change: c.581G>A on transcript NM_004415.4 (MANE Select); coding-DNA position 581, G replaced by A.
Protein change: p.Trp194Ter; replaces tryptophan 194 with a stop codon.
Molecular consequence: nonsense.
Genome position (GRCh38, 1-based): chr6:7,559,384, G>A. VCF-style: chr6-7559384-G-A. GRCh37 (hg19) VCF-style: chr6-7559617-G-A.
Other names: c.581G>A, p.Trp194Ter (NM_001008844.3, NM_001319034.2, NM_001406591.1); short protein forms W194*.
Identifiers: ClinVar variation 4245107 (VCV004245107.1).